The following is an entry in ClinVar:

NM_001122630.2(CDKN1C):c.712C>T (p.Arg238Cys)

Gene: CDKN1C (cyclin dependent kinase inhibitor 1C; minus strand). Cytogenetic location: 11p15.4.
Variant type: single nucleotide variant.
Coding change: c.712C>T on transcript NM_001122630.2 (MANE Select); coding-DNA position 712, C replaced by T.
Protein change: p.Arg238Cys; replaces arginine 238 with cysteine.
Molecular consequence: missense variant. On other transcripts: intron variant (1).
Genome position (GRCh38, 1-based): chr11:2,884,745, G>A on the plus strand (C>T on the coding strand, the complement: CDKN1C is on the minus strand). VCF-style: chr11-2884745-G-A. GRCh37 (hg19) VCF-style: chr11-2905975-G-A.
Other names: c.745C>T, p.Arg249Cys (LRG_533t1, NM_000076.2, NM_001362474.2); c.712C>T, p.Arg238Cys (NM_001122631.2); c.255+457C>T (NM_001362475.2); short protein forms R249C, R238C.
Identifiers: ClinVar variation 236974 (VCV000236974.11), dbSNP rs878853641, ClinGen allele CA10582889.

ClinVar aggregate classification (germline): Uncertain significance. Review status: criteria provided, multiple submitters, no conflicts (2 of 4 stars). 2 submissions from 2 submitters: Uncertain significance (2). Last evaluated 2025-08-15.

Conditions:
Inborn genetic diseases. Identifiers: MedGen C0950123, MeSH D030342.
Beckwith-Wiedemann syndrome (BWS). Also called: Exomphalos macroglossia gigantism syndrome; EMG SYNDROME. Identifiers: Orphanet 116, MedGen C0004903, MONDO:0007534, OMIM 130650.

Allele frequency attached by ClinVar (database versions not stated): gnomAD exomes below 0.00001 and 0.00002; TOPMed 0.00001.
gnomAD v4.1: 4 of 1,509,914 alleles (0.00026%); highest among the groups gnomAD compares: Admixed American, 0.0059%; no homozygotes.

Submissions (2):

Ambry Genetics
Classification: Uncertain significance for Inborn genetic diseases. Last evaluated: 2025-08-15. Review status: criteria provided, single submitter. Criteria: Ambry Variant Classification Scheme 2023. Collection method: clinical testing. Allele origin: germline.

Labcorp Genetics (formerly Invitae), Labcorp
Classification: Uncertain significance for Beckwith-Wiedemann syndrome. Last evaluated: 2025-01-06. Review status: criteria provided, single submitter. Criteria: Invitae Variant Classification Sherloc (09022015). Collection method: clinical testing. Allele origin: germline.
Comment: This sequence change replaces arginine, which is basic and polar, with cysteine, which is neutral and slightly polar, at codon 249 of the CDKN1C protein (p.Arg249Cys). The frequency data for this variant in the population databases is considered unreliable, as metrics indicate poor data quality at this position in the gnomAD database. This variant has not been reported in the literature in individuals affected with CDKN1C-related conditions. ClinVar contains an entry for this variant (Variation ID: 236974). Invitae Evidence Modeling of protein sequence and biophysical properties (such as structural, functional, and spatial information, amino acid conservation, physicochemical variation, residue mobility, and thermodynamic stability) indicates that this missense variant is not expected to disrupt CDKN1C protein function with a negative predictive value of 80%. In summary, the available evidence is currently insufficient to determine the role of this variant in disease. Therefore, it has been classified as a Variant of Uncertain Significance.